The following is an entry in ClinVar:

NM_004370.6(COL12A1):c.614C>T (p.Ala205Val)

Gene: COL12A1 (collagen type XII alpha 1 chain; minus strand). Cytogenetic location: 6q13.
Variant type: single nucleotide variant.
Coding change: c.614C>T on transcript NM_004370.6 (MANE Select); coding-DNA position 614, C replaced by T.
Protein change: p.Ala205Val; replaces alanine 205 with valine.
Molecular consequence: missense variant. On other transcripts: intron variant (1).
Genome position (GRCh38, 1-based): chr6:75,189,596, G>A on the plus strand (C>T on the coding strand, the complement: COL12A1 is on the minus strand). VCF-style: chr6-75189596-G-A. GRCh37 (hg19) VCF-style: chr6-75899312-G-A.
Other names: c.73+13124C>T (NM_080645.3); short protein forms A205V.
Identifiers: ClinVar variation 2110565 (VCV002110565.4), dbSNP rs1034481598, ClinGen allele CA364728656.

ClinVar aggregate classification (germline): Uncertain significance (1 of 4 stars; one submission).

Conditions:
Ullrich congenital muscular dystrophy 2 (UCMD2). Identifiers: Orphanet 75840, MedGen C4225314, MONDO:0014654, OMIM 616470.
Bethlem myopathy 2 (BTHLM2). Identifiers: Orphanet 536516, Orphanet 610, MedGen C4225313, MONDO:0034022, OMIM 616471.

gnomAD v4.1: 1 of 1,612,970 alleles (0.000062%); highest among the groups gnomAD compares: Non-Finnish European, 0.000085%; no homozygotes.

Submission:

Labcorp Genetics (formerly Invitae), Labcorp
Classification: Uncertain significance for Bethlem myopathy 2; Ullrich congenital muscular dystrophy 2. Last evaluated: 2022-03-13. Review status: criteria provided, single submitter. Criteria: Invitae Variant Classification Sherloc (09022015). Collection method: clinical testing. Allele origin: germline.
Comment: In summary, the available evidence is currently insufficient to determine the role of this variant in disease. Therefore, it has been classified as a Variant of Uncertain Significance. Algorithms developed to predict the effect of missense changes on protein structure and function (SIFT, PolyPhen-2, Align-GVGD) all suggest that this variant is likely to be tolerated. This variant has not been reported in the literature in individuals affected with COL12A1-related conditions. This variant is not present in population databases (gnomAD no frequency). This sequence change replaces alanine, which is neutral and non-polar, with valine, which is neutral and non-polar, at codon 205 of the COL12A1 protein (p.Ala205Val).